The following is an entry in ClinVar:

ClinVar aggregate classification (germline): Conflicting classifications of pathogenicity. Review status: criteria provided, conflicting classifications (1 of 4 stars). 4 submissions from 4 submitters: Uncertain significance (1); Likely benign (3). Last evaluated 2025-10-01.

Conditions:
Inborn genetic diseases. Identifiers: MedGen C0950123, MeSH D030342.

Allele frequency attached by ClinVar (database versions not stated): TOPMed 0.00003; gnomAD 0.00004 and 0.00006; gnomAD exomes 0.00004; ExAC 0.00006.
gnomAD v4.1: 65 of 1,614,202 alleles (0.004%); highest among the groups gnomAD compares: South Asian, 0.024%; no homozygotes.

Submissions (4):

CeGaT Center for Human Genetics Tuebingen
Classification: Likely benign. Last evaluated: 2025-10-01. Review status: criteria provided, single submitter. Criteria: CeGaT Center For Human Genetics Tuebingen Variant Classification Criteria Version 2. Collection method: clinical testing. Allele origin: germline. Affected: yes. Observed: 1 variant allele.
Comment: ARID1B: BP4, BS2

Labcorp Genetics (formerly Invitae), Labcorp
Classification: Likely benign. Last evaluated: 2024-06-04. Review status: criteria provided, single submitter. Criteria: Invitae Variant Classification Sherloc (09022015). Collection method: clinical testing. Allele origin: germline.

Blueprint Genetics
Classification: Likely benign. Last evaluated: 2020-09-30. Review status: criteria provided, single submitter. Criteria: ACMG Guidelines, 2015. Collection method: clinical testing. Allele origin: germline.

Ambry Genetics
Classification: Uncertain significance for Inborn genetic diseases. Last evaluated: 2016-11-01. Review status: criteria provided, single submitter. Criteria: Ambry Variant Classification Scheme 2023. Collection method: clinical testing. Allele origin: germline.
Comment: The p.Q1262P variant (also known as c.3785A>C), located in coding exon 15 of the ARID1B gene, results from an A to C substitution at nucleotide position 3785. The glutamine at codon 1262 is replaced by proline, an amino acid with similar properties. This variant was not reported in population based cohorts in the following databases: Database of Single Nucleotide Polymorphisms (dbSNP), NHLBI Exome Sequencing Project (ESP), and 1000 Genomes Project. In the ESP, this variant was not observed in 6499 samples (12998 alleles) with coverage at this position. This amino acid position is well conserved in available vertebrate species. In addition, the in silico prediction for this alteration is inconclusive. Since supporting evidence is limited at this time, the clinical significance of this alteration remains unclear.

NM_001374828.1(ARID1B):c.4154A>C (p.Gln1385Pro)

Gene: ARID1B (AT-rich interaction domain 1B; plus strand). Cytogenetic location: 6q25.3.
Variant type: single nucleotide variant.
Coding change: c.4154A>C on transcript NM_001374828.1 (MANE Select); coding-DNA position 4154, A replaced by C.
Protein change: p.Gln1385Pro; replaces glutamine 1385 with proline.
Molecular consequence: missense variant.
Genome position (GRCh38, 1-based): chr6:157,190,133, A>C. VCF-style: chr6-157190133-A-C. GRCh37 (hg19) VCF-style: chr6-157511267-A-C.
Other names: c.1655A>C, p.Gln552Pro (NM_001363725.2); c.4034A>C, p.Gln1345Pro (NM_001371656.1, NM_001374820.1); c.3995A>C, p.Gln1332Pro (NM_017519.3); c.3785A>C, p.Gln1262Pro (NM_020732.3); short protein forms Q1262P, Q552P, Q1332P, Q1345P, Q1385P.
Identifiers: ClinVar variation 589446 (VCV000589446.15), dbSNP rs768013849, ClinGen allele CA4067537.
Genomic context (GRCh38, chr6:157,190,133, plus strand): 5'-ATGTGAGTGATTCATCCTTCCCGAAACGGAACTCCATGACTCCAAACGCCCCCTACCAGC[A>C]GGGCATGAGCATGCCCGATGTGATGGGCAGGATGCCCTATGAGCCCAACAAGGACCCCTT-3'
Protein context (NP_001361757.1, residues 1375-1395): NSMTPNAPYQ[Gln1385Pro]GMSMPDVMGR